The following is an entry in ClinVar:

NM_024675.4(PALB2):c.3201+5G>A

Gene: PALB2 (partner and localizer of BRCA2; minus strand). Cytogenetic location: 16p12.2.
Variant type: single nucleotide variant.
Coding change: c.3201+5G>A on transcript NM_024675.4 (MANE Select); 5 bases into the intron after coding-DNA position 3201, G replaced by A.
Molecular consequence: intron variant.
Genome position (GRCh38, 1-based): chr16:23,613,999, C>T on the plus strand (G>A on the coding strand, the complement: PALB2 is on the minus strand). VCF-style: chr16-23613999-C-T. GRCh37 (hg19) VCF-style: chr16-23625320-C-T.
Identifiers: ClinVar variation 1728820 (VCV001728820.3), dbSNP rs1597073208, ClinGen allele CA2580091244.

ClinVar aggregate classification (germline): Likely pathogenic (1 of 4 stars; one submission).

Conditions:
Hereditary cancer-predisposing syndrome. Also called: Neoplastic Syndromes, Hereditary; Tumor predisposition; Hereditary Cancer Syndrome; Hereditary neoplastic syndrome. Identifiers: Orphanet 140162, MedGen C0027672, MeSH D009386, MONDO:0015356.

Submission:

Ambry Genetics
Classification: Likely pathogenic for Hereditary cancer-predisposing syndrome. Last evaluated: 2026-05-15. Review status: criteria provided, single submitter. Criteria: Ambry Variant Classification Scheme 2023. Collection method: clinical testing. Allele origin: germline.
Comment: The c.3201+5G>A intronic variant results from a G to A substitution 5 nucleotides after coding exon 11 in the PALB2 gene. This nucleotide position is highly conserved in available vertebrate species. In silico splice site analysis predicts that this alteration will weaken the native splice donor site. RNA studies have demonstrated that this variant results in abnormal splicing in the set of samples tested (Ambry internal data). Based on the majority of available evidence to date, this variant is likely to be pathogenic.